The following is an entry in ClinVar:

NM_014714.4(IFT140):c.644A>G (p.His215Arg)

Genes: IFT140 (intraflagellar transport 140; minus strand), LOC105371046 (uncharacterized LOC105371046; plus strand). Cytogenetic location: 16p13.3.
Variant type: single nucleotide variant.
Coding change: c.644A>G on transcript NM_014714.4 (MANE Select); coding-DNA position 644, A replaced by G.
Protein change: p.His215Arg; replaces histidine 215 with arginine.
Molecular consequence: missense variant.
Genome position (GRCh38, 1-based): chr16:1,589,771, T>C on the plus strand (A>G on the coding strand, the complement: IFT140 is on the minus strand). VCF-style: chr16-1589771-T-C. GRCh37 (hg19) VCF-style: chr16-1639772-T-C.
Other names: short protein forms H215R.
Identifiers: ClinVar variation 2107153 (VCV002107153.5), dbSNP rs1446816182, ClinGen allele CA394219011.
Genomic context (GRCh38, chr16:1,589,771, plus strand): 5'-ATCTGAATCGTGCTGTCTGCGGACACCACCTGAGTGGTCTTGCCCTTCTCATCCACATAG[T>C]GCACTGTCCCTGGGGACAAACGTGGGGTCACTACATGAGGAGGCCCTGGTTTATCTGCTT-3'
Protein context (NP_055529.2, residues 205-225): FFVSLMDGTV[His215Arg]YVDEKGKTTQ

ClinVar aggregate classification (germline): Uncertain significance. Review status: criteria provided, multiple submitters, no conflicts (2 of 4 stars). 2 submissions from 2 submitters: Uncertain significance (2). Last evaluated 2022-11-01.

Conditions:
Saldino-Mainzer syndrome (SRTD9). Also called: CONORENAL SYNDROME; short-rib thoracic dysplasia 9 with or without polydactyly; SHORT-RIB THORACIC DYSPLASIA 9 WITHOUT POLYDACTYLY; Renal dysplasia, retinal pigmentary dystrophy, cerebellar ataxia and skeletal dysplasia. Identifiers: Orphanet 140969, MedGen C1849437, MONDO:0009964, OMIM 266920.

Allele frequency attached by ClinVar (database versions not stated): TOPMed 0.00001.

Submissions (2):

Labcorp Genetics (formerly Invitae), Labcorp
Classification: Uncertain significance for Saldino-Mainzer syndrome. Last evaluated: 2022-11-01. Review status: criteria provided, single submitter. Criteria: Invitae Variant Classification Sherloc (09022015). Collection method: clinical testing. Allele origin: germline.
Comment: This sequence change replaces histidine, which is basic and polar, with arginine, which is basic and polar, at codon 215 of the IFT140 protein (p.His215Arg). This variant is not present in population databases (gnomAD no frequency). This variant has not been reported in the literature in individuals affected with IFT140-related conditions. Advanced modeling of protein sequence and biophysical properties (such as structural, functional, and spatial information, amino acid conservation, physicochemical variation, residue mobility, and thermodynamic stability) performed at Invitae indicates that this missense variant is not expected to disrupt IFT140 protein function. In summary, the available evidence is currently insufficient to determine the role of this variant in disease. Therefore, it has been classified as a Variant of Uncertain Significance.

Blueprint Genetics
Classification: Uncertain significance. Last evaluated: 2019-02-01. Review status: criteria provided, single submitter. Criteria: ACMG Guidelines, 2015. Collection method: clinical testing. Allele origin: germline.